The following is an entry in ClinVar:

ClinVar aggregate classification (germline): Uncertain significance. Review status: criteria provided, multiple submitters, no conflicts (2 of 4 stars). 3 submissions from 3 submitters: Uncertain significance (3). Last evaluated 2025-05-28.

Conditions:
Inborn genetic diseases. Identifiers: MedGen C0950123, MeSH D030342.

Allele frequency attached by ClinVar (database versions not stated): ExAC 0.00003; TOPMed 0.00003; gnomAD exomes 0.00004 and 0.00007; gnomAD 0.00013 and 0.00014.
gnomAD v4.1: 127 of 1,613,962 alleles (0.0079%); highest among the groups gnomAD compares: Non-Finnish European, 0.0093%; 1 homozygote.

Submissions (3):

Ambry Genetics
Classification: Uncertain significance for Inborn genetic diseases. Last evaluated: 2025-05-28. Review status: criteria provided, single submitter. Criteria: Ambry Variant Classification Scheme 2023. Collection method: clinical testing. Allele origin: germline.

Blueprint Genetics
Classification: Uncertain significance. Last evaluated: 2024-06-07. Review status: criteria provided, single submitter. Criteria: ACMG Guidelines, 2015. Collection method: clinical testing. Allele origin: germline.

Labcorp Genetics (formerly Invitae), Labcorp
Classification: Uncertain significance. Last evaluated: 2024-03-04. Review status: criteria provided, single submitter. Criteria: Invitae Variant Classification Sherloc (09022015). Collection method: clinical testing. Allele origin: germline.
Comment: This sequence change replaces alanine, which is neutral and non-polar, with threonine, which is neutral and polar, at codon 433 of the OCA2 protein (p.Ala433Thr). This variant is present in population databases (rs749410903, gnomAD 0.02%). This variant has not been reported in the literature in individuals affected with OCA2-related conditions. ClinVar contains an entry for this variant (Variation ID: 1413191). Advanced modeling of protein sequence and biophysical properties (such as structural, functional, and spatial information, amino acid conservation, physicochemical variation, residue mobility, and thermodynamic stability) performed at Invitae indicates that this missense variant is not expected to disrupt OCA2 protein function with a negative predictive value of 80%. In summary, the available evidence is currently insufficient to determine the role of this variant in disease. Therefore, it has been classified as a Variant of Uncertain Significance.

NM_000275.3(OCA2):c.1297G>A (p.Ala433Thr)

Gene: OCA2 (OCA2 melanosomal transmembrane protein; minus strand). Cytogenetic location: 15q13.1.
Variant type: single nucleotide variant.
Coding change: c.1297G>A on transcript NM_000275.3 (MANE Select); coding-DNA position 1297, G replaced by A.
Protein change: p.Ala433Thr; replaces alanine 433 with threonine.
Molecular consequence: missense variant.
Genome position (GRCh38, 1-based): chr15:27,985,131, C>T on the plus strand (G>A on the coding strand, the complement: OCA2 is on the minus strand). VCF-style: chr15-27985131-C-T. GRCh37 (hg19) VCF-style: chr15-28230277-C-T.
Other names: c.1225G>A, p.Ala409Thr (NM_001300984.2); c.1297G>A (NM_000275.2); short protein forms A433T, A409T.
Identifiers: ClinVar variation 1413191 (VCV001413191.8), dbSNP rs749410903, ClinGen allele CA7439090.